The following is an entry in ClinVar:

NC_000003.11:g.(?_121489192)_(121489441_?)del

Gene: IQCB1 (IQ motif containing B1; minus strand). Cytogenetic location: 3q13.33.
Variant type: Deletion.
Identifiers: ClinVar variation 2423482 (VCV002423482.3).

ClinVar aggregate classification (germline): Uncertain significance (1 of 4 stars; one submission).

Conditions:
Nephronophthisis. Also called: Juvenile Nephronophthisis. Identifiers: Orphanet 655, MedGen C0687120, MONDO:0019005, HP:0000090.

Submission:

Labcorp Genetics (formerly Invitae), Labcorp
Classification: Uncertain significance for Nephronophthisis. Last evaluated: 2022-10-13. Review status: criteria provided, single submitter. Criteria: Invitae Variant Classification Sherloc (09022015). Collection method: clinical testing. Allele origin: germline.
Comment: This variant has not been reported in the literature in individuals affected with IQCB1-related conditions. In summary, the available evidence is currently insufficient to determine the role of this variant in disease. Therefore, it has been classified as a Variant of Uncertain Significance. This variant is a gross deletion of the genomic region encompassing exon(s) 15 of the IQCB1 gene, which includes the termination codon. This deletion extends beyond the assayed region for this gene and therefore may encompass additional genes. While this deletion is not anticipated to lead to nonsense mediated decay, it is expected to alter mRNA translation or result in a truncated protein product.